The following is an entry in ClinVar:

NM_020693.4(DSCAML1):c.3237C>T (p.Ser1079=)

Gene: DSCAML1 (DS cell adhesion molecule like 1; minus strand). Cytogenetic location: 11q23.3.
Variant type: single nucleotide variant.
Coding change: c.3237C>T on transcript NM_020693.4 (MANE Select); coding-DNA position 3237, C replaced by T.
Protein change: p.Ser1079=; no amino-acid change (serine 1079 retained).
Molecular consequence: synonymous variant.
Genome position (GRCh38, 1-based): chr11:117,464,970, G>A on the plus strand (C>T on the coding strand, the complement: DSCAML1 is on the minus strand). VCF-style: chr11-117464970-G-A. GRCh37 (hg19) VCF-style: chr11-117335686-G-A.
Other names: c.3417C>T (NM_020693.3).
Identifiers: ClinVar variation 1657706 (VCV001657706.12), dbSNP rs61743159, ClinGen allele CA6296766.

ClinVar aggregate classification (germline): Benign. Review status: criteria provided, multiple submitters, no conflicts (2 of 4 stars). 3 submissions from 3 submitters: Benign (2). 1 of the submissions does not count toward it. Last evaluated 2026-02-03.

Conditions:
DSCAML1-related disorder. Also called: DSCAML1-related condition.

Allele frequency attached by ClinVar (database versions not stated): 1000 Genomes Project 0.00819; ESP Exome Variant Server 0.00831; 1000 Genomes Project 30x 0.00874.
gnomAD v4.1: 22,463 of 1,614,046 alleles (1.4%); highest among the groups gnomAD compares: South Asian, 1.6%; 254 homozygotes.

Submissions (18):

Labcorp Genetics (formerly Invitae), Labcorp
Classification: Benign. Last evaluated: 2026-02-03. Review status: criteria provided, single submitter. Criteria: Invitae Variant Classification Sherloc (09022015). Collection method: clinical testing. Allele origin: germline.

Breakthrough Genomics
Classification: Benign. Review status: criteria provided, single submitter. Criteria: ACMG Guidelines, 2015. Collection method: not provided. Allele origin: germline. Inheritance: Unknown mechanism. Affected: yes.

PreventionGenetics, part of Exact Sciences
Classification: Benign for DSCAML1-related condition. Last evaluated: 2019-03-15. Review status: no assertion criteria provided. Collection method: clinical testing. Allele origin: germline. Not counted in ClinVar's aggregate classification.
Comment: This variant is classified as benign based on ACMG/AMP sequence variant interpretation guidelines (Richards et al. 2015 PMID: 25741868, with internal and published modifications).

Dr. Peter K. Rogan Lab, Western University
No classification provided (evidence only). Condition: Clear cell carcinoma of kidney. Review status: no classification provided. Collection method: in vitro. Allele origin: not applicable. Functional consequence: retained intron. Not counted in ClinVar's aggregate classification.

Dr. Peter K. Rogan Lab, Western University
No classification provided (evidence only). Condition: Melanoma. Review status: no classification provided. Collection method: in vitro. Allele origin: not applicable. Functional consequence: retained intron. Not counted in ClinVar's aggregate classification.

Dr. Peter K. Rogan Lab, Western University
No classification provided (evidence only). Condition: Colon adenocarcinoma. Review status: no classification provided. Collection method: in vitro. Allele origin: not applicable. Functional consequence: retained intron. Not counted in ClinVar's aggregate classification.

Dr. Peter K. Rogan Lab, Western University
No classification provided (evidence only). Condition: Colon adenocarcinoma. Review status: no classification provided. Collection method: in vitro. Allele origin: not applicable. Functional consequence: retained intron. Not counted in ClinVar's aggregate classification.

Dr. Peter K. Rogan Lab, Western University
No classification provided (evidence only). Condition: Colon adenocarcinoma. Review status: no classification provided. Collection method: in vitro. Allele origin: not applicable. Functional consequence: retained intron. Not counted in ClinVar's aggregate classification.

Dr. Peter K. Rogan Lab, Western University
No classification provided (evidence only). Condition: Thyroid cancer, nonmedullary, 1. Review status: no classification provided. Collection method: in vitro. Allele origin: not applicable. Functional consequence: retained intron. Not counted in ClinVar's aggregate classification.

Dr. Peter K. Rogan Lab, Western University
No classification provided (evidence only). Condition: Thyroid cancer, nonmedullary, 1. Review status: no classification provided. Collection method: in vitro. Allele origin: not applicable. Functional consequence: retained intron. Not counted in ClinVar's aggregate classification.

Dr. Peter K. Rogan Lab, Western University
No classification provided (evidence only). Condition: Thyroid cancer, nonmedullary, 1. Review status: no classification provided. Collection method: in vitro. Allele origin: not applicable. Functional consequence: retained intron. Not counted in ClinVar's aggregate classification.

Dr. Peter K. Rogan Lab, Western University
No classification provided (evidence only). Condition: Cervical cancer. Review status: no classification provided. Collection method: in vitro. Allele origin: not applicable. Functional consequence: retained intron. Not counted in ClinVar's aggregate classification.

Dr. Peter K. Rogan Lab, Western University
No classification provided (evidence only). Condition: Hepatocellular carcinoma. Review status: no classification provided. Collection method: in vitro. Allele origin: not applicable. Functional consequence: retained intron. Not counted in ClinVar's aggregate classification.

Dr. Peter K. Rogan Lab, Western University
No classification provided (evidence only). Condition: Nonpapillary renal cell carcinoma. Review status: no classification provided. Collection method: in vitro. Allele origin: not applicable. Functional consequence: retained intron. Not counted in ClinVar's aggregate classification.

Dr. Peter K. Rogan Lab, Western University
No classification provided (evidence only). Condition: Ovarian serous cystadenocarcinoma. Review status: no classification provided. Collection method: in vitro. Allele origin: not applicable. Functional consequence: retained intron. Not counted in ClinVar's aggregate classification.

Dr. Peter K. Rogan Lab, Western University
No classification provided (evidence only). Condition: Ovarian serous cystadenocarcinoma. Review status: no classification provided. Collection method: in vitro. Allele origin: not applicable. Functional consequence: retained intron. Not counted in ClinVar's aggregate classification.

Dr. Peter K. Rogan Lab, Western University
No classification provided (evidence only). Condition: Ovarian serous cystadenocarcinoma. Review status: no classification provided. Collection method: in vitro. Allele origin: not applicable. Functional consequence: retained intron. Not counted in ClinVar's aggregate classification.

Dr. Peter K. Rogan Lab, Western University
No classification provided (evidence only). Condition: Ovarian serous cystadenocarcinoma. Review status: no classification provided. Collection method: in vitro. Allele origin: not applicable. Functional consequence: retained intron. Not counted in ClinVar's aggregate classification.